The following is an entry in ClinVar:

NM_012434.5(SLC17A5):c.1153A>G (p.Ile385Val)

Gene: SLC17A5 (solute carrier family 17 member 5; minus strand). Cytogenetic location: 6q13.
Variant type: single nucleotide variant.
Coding change: c.1153A>G on transcript NM_012434.5 (MANE Select); coding-DNA position 1153, A replaced by G.
Protein change: p.Ile385Val; replaces isoleucine 385 with valine.
Molecular consequence: missense variant.
Genome position (GRCh38, 1-based): chr6:73,610,506, T>C on the plus strand (A>G on the coding strand, the complement: SLC17A5 is on the minus strand). VCF-style: chr6-73610506-T-C. GRCh37 (hg19) VCF-style: chr6-74320229-T-C.
Other names: c.922A>G, p.Ile308Val (NM_001382629.1); c.1153A>G, p.Ile385Val (NM_001382630.1, NM_001382633.1); c.1174A>G, p.Ile392Val (NM_001382631.1); c.1066A>G, p.Ile356Val (NM_001382632.1); c.994A>G, p.Ile332Val (NM_001382634.1); c.1150A>G, p.Ile384Val (NM_001382635.1); c.835A>G, p.Ile279Val (NM_001382636.1); short protein forms I308V, I279V, I332V, I384V, I385V, I392V, I356V.
Identifiers: ClinVar variation 2184235 (VCV002184235.1), dbSNP rs1193649596, ClinGen allele CA364721123.
Genomic context (GRCh38, chr6:73,610,506, plus strand): 5'-AGCCTCCCAGTGTTGTTGATATAGTTAGGAAAGCAACGGCCAAAGAATAATCACAGCCAA[T>C]GAAGCCAGCAGCTACCAGGAATACTGCAGGTCCAATCATTCCTGGAGTTAAAAAGTTATA-3'
Protein context (NP_036566.1, residues 375-395): PAVFLVAAGF[Ile385Val]GCDYSLAVAF

ClinVar aggregate classification (germline): Uncertain significance (1 of 4 stars; one submission).

Conditions:
Salla disease (SD). Also called: Sialuria, Finnish type; N-acetylneuraminic acid (NANA) storage disease (NSD); Infantile sialic acid storage disorder (ISSD); Less Severe FSASD (Salla Disease). Identifiers: Orphanet 309334, Orphanet 834, MedGen C1096903, MONDO:0011449, OMIM 604369.

Allele frequency attached by ClinVar (database versions not stated): gnomAD exomes below 0.00001; TOPMed 0.00002; gnomAD 0.00003.
gnomAD v4.1: 9 of 1,614,014 alleles (0.00056%); highest among the groups gnomAD compares: African/African-American, 0.008%; no homozygotes.

Submission:

Labcorp Genetics (formerly Invitae), Labcorp
Classification: Uncertain significance for Salla disease. Last evaluated: 2021-09-02. Review status: criteria provided, single submitter. Criteria: Invitae Variant Classification Sherloc (09022015). Collection method: clinical testing. Allele origin: germline.
Comment: This sequence change replaces isoleucine with valine at codon 385 of the SLC17A5 protein (p.Ile385Val). The isoleucine residue is moderately conserved and there is a small physicochemical difference between isoleucine and valine. This variant is not present in population databases (ExAC no frequency). This variant has not been reported in the literature in individuals affected with SLC17A5-related conditions. Algorithms developed to predict the effect of missense changes on protein structure and function (SIFT, PolyPhen-2, Align-GVGD) all suggest that this variant is likely to be tolerated. In summary, the available evidence is currently insufficient to determine the role of this variant in disease. Therefore, it has been classified as a Variant of Uncertain Significance.